The following is an entry in ClinVar:

NM_177438.3(DICER1):c.4412C>A (p.Pro1471His)

Gene: DICER1 (dicer 1, ribonuclease III; minus strand). Cytogenetic location: 14q32.13.
Variant type: single nucleotide variant.
Coding change: c.4412C>A on transcript NM_177438.3 (MANE Select); coding-DNA position 4412, C replaced by A.
Protein change: p.Pro1471His; replaces proline 1471 with histidine.
Molecular consequence: missense variant.
Genome position (GRCh38, 1-based): chr14:95,096,508, G>T on the plus strand (C>A on the coding strand, the complement: DICER1 is on the minus strand). VCF-style: chr14-95096508-G-T. GRCh37 (hg19) VCF-style: chr14-95562845-G-T.
Other names: c.4412C>A, p.Pro1471His (NM_001195573.1, NM_001271282.3, NM_001291628.2 and 1 more transcripts); short protein forms P1471H.
Identifiers: ClinVar variation 824875 (VCV000824875.13), dbSNP rs1060503657, ClinGen allele CA390868741.

ClinVar aggregate classification (germline): Uncertain significance. Review status: criteria provided, multiple submitters, no conflicts (2 of 4 stars). 2 submissions from 2 submitters: Uncertain significance (2). Last evaluated 2025-03-30.

Conditions:
DICER1-related tumor predisposition. Also called: DICER1-related pleuropulmonary blastoma cancer predisposition syndrome; DICER1 syndrome. Identifiers: Orphanet 284343, MedGen C3839822, MONDO:0100216.
Hereditary cancer-predisposing syndrome. Also called: Neoplastic Syndromes, Hereditary; Hereditary Cancer Syndrome; Hereditary neoplastic syndrome; Tumor predisposition. Identifiers: Orphanet 140162, MedGen C0027672, MeSH D009386, MONDO:0015356.

gnomAD v4.1: 4 of 1,614,032 alleles (0.00025%); highest among the groups gnomAD compares: Non-Finnish European, 0.00034%; no homozygotes.

Submissions (2):

Labcorp Genetics (formerly Invitae), Labcorp
Classification: Uncertain significance for DICER1-related tumor predisposition. Last evaluated: 2025-03-30. Review status: criteria provided, single submitter. Criteria: Invitae Variant Classification Sherloc (09022015). Collection method: clinical testing. Allele origin: germline.
Comment: This sequence change replaces proline, which is neutral and non-polar, with histidine, which is basic and polar, at codon 1471 of the DICER1 protein (p.Pro1471His). This variant is not present in population databases (gnomAD no frequency). This variant has not been reported in the literature in individuals affected with DICER1-related conditions. ClinVar contains an entry for this variant (Variation ID: 824875). Invitae Evidence Modeling of protein sequence and biophysical properties (such as structural, functional, and spatial information, amino acid conservation, physicochemical variation, residue mobility, and thermodynamic stability) indicates that this missense variant is not expected to disrupt DICER1 protein function with a negative predictive value of 95%. In summary, the available evidence is currently insufficient to determine the role of this variant in disease. Therefore, it has been classified as a Variant of Uncertain Significance.

Ambry Genetics
Classification: Uncertain significance for Hereditary cancer-predisposing syndrome. Last evaluated: 2024-05-04. Review status: criteria provided, single submitter. Criteria: Ambry Variant Classification Scheme 2023. Collection method: clinical testing. Allele origin: germline.
Comment: The p.P1471H variant (also known as c.4412C>A), located in coding exon 22 of the DICER1 gene, results from a C to A substitution at nucleotide position 4412. The proline at codon 1471 is replaced by histidine, an amino acid with similar properties. This amino acid position is not well conserved in available vertebrate species. In addition, this alteration is predicted to be tolerated by in silico analysis. Since supporting evidence is limited at this time, the clinical significance of this alteration remains unclear.